The following is an entry in ClinVar:

ClinVar aggregate classification (germline): Uncertain significance (1 of 4 stars; one submission).

Submission:

Labcorp Genetics (formerly Invitae), Labcorp
Classification: Uncertain significance. Last evaluated: 2024-01-07. Review status: criteria provided, single submitter. Criteria: Invitae Variant Classification Sherloc (09022015). Collection method: clinical testing. Allele origin: germline.
Comment: This sequence change replaces arginine, which is basic and polar, with glutamine, which is neutral and polar, at codon 717 of the SMARCC2 protein (p.Arg717Gln). This variant is not present in population databases (gnomAD no frequency). This variant has not been reported in the literature in individuals affected with SMARCC2-related conditions. An algorithm developed to predict the effect of missense changes on protein structure and function (PolyPhen-2) suggests that this variant is likely to be tolerated. In summary, the available evidence is currently insufficient to determine the role of this variant in disease. Therefore, it has been classified as a Variant of Uncertain Significance.

NM_001330288.2(SMARCC2):c.2243G>A (p.Arg748Gln)

Gene: SMARCC2 (SWI/SNF related BAF chromatin remodeling complex subunit C2; minus strand). Cytogenetic location: 12q13.2.
Variant type: single nucleotide variant.
Coding change: c.2243G>A on transcript NM_001330288.2 (MANE Select); coding-DNA position 2243, G replaced by A.
Protein change: p.Arg748Gln; replaces arginine 748 with glutamine.
Molecular consequence: missense variant.
Genome position (GRCh38, 1-based): chr12:56,171,375, C>T on the plus strand (G>A on the coding strand, the complement: SMARCC2 is on the minus strand). VCF-style: chr12-56171375-C-T. GRCh37 (hg19) VCF-style: chr12-56565159-C-T.
Other names: c.2243G>A, p.Arg748Gln (NM_001130420.3, NM_139067.4); c.2150G>A, p.Arg717Gln (NM_003075.5); short protein forms R748Q, R717Q.
Identifiers: ClinVar variation 3632554 (VCV003632554.2).